The following is an entry in ClinVar:

ClinVar aggregate classification (germline): Uncertain significance (1 of 4 stars; one submission).

Submission:

Ambry Genetics
Classification: Uncertain significance. Last evaluated: 2022-06-15. Review status: criteria provided, single submitter. Criteria: Ambry Variant Classification Scheme 2023. Collection method: clinical testing. Allele origin: germline.
Comment: The p.E136G variant (also known as c.407A>G), located in coding exon 6 of the NPAT gene, results from an A to G substitution at nucleotide position 407. The glutamic acid at codon 136 is replaced by glycine, an amino acid with similar properties. This amino acid position is conserved. In addition, this alteration is predicted to be tolerated by in silico analysis. Since supporting evidence is limited at this time, the clinical significance of this alteration remains unclear.

NM_002519.3(NPAT):c.407A>G (p.Glu136Gly)

Gene: NPAT (nuclear protein, coactivator of histone transcription; minus strand). Cytogenetic location: 11q22.3.
Variant type: single nucleotide variant.
Coding change: c.407A>G on transcript NM_002519.3 (MANE Select); coding-DNA position 407, A replaced by G.
Protein change: p.Glu136Gly; replaces glutamic acid 136 with glycine.
Molecular consequence: missense variant.
Genome position (GRCh38, 1-based): chr11:108,189,255, T>C on the plus strand (A>G on the coding strand, the complement: NPAT is on the minus strand). VCF-style: chr11-108189255-T-C. GRCh37 (hg19) VCF-style: chr11-108059982-T-C.
Other names: c.407A>G, p.Glu136Gly (NM_001321307.1); short protein forms E136G.
Identifiers: ClinVar variation 1737604 (VCV001737604.2), dbSNP rs2496745762, ClinGen allele CA382525012.